The following is an entry in ClinVar:

NM_001113378.2(FANCI):c.2750G>A (p.Ser917Asn)

Gene: FANCI (FA complementation group I; plus strand). Cytogenetic location: 15q26.1.
Variant type: single nucleotide variant.
Coding change: c.2750G>A on transcript NM_001113378.2 (MANE Select); coding-DNA position 2750, G replaced by A.
Protein change: p.Ser917Asn; replaces serine 917 with asparagine.
Molecular consequence: missense variant.
Genome position (GRCh38, 1-based): chr15:89,299,913, G>A. VCF-style: chr15-89299913-G-A. GRCh37 (hg19) VCF-style: chr15-89843144-G-A.
Other names: c.2471G>A, p.Ser824Asn (NM_001376910.1); c.2750G>A, p.Ser917Asn (NM_001376911.1); c.2570G>A, p.Ser857Asn (NM_018193.3); short protein forms S857N, S917N, S824N.
Identifiers: ClinVar variation 1471355 (VCV001471355.8), dbSNP rs2151839260, ClinGen allele CA393737103.

ClinVar aggregate classification (germline): Uncertain significance (1 of 4 stars; one submission).

Conditions:
Fanconi anemia (FA). Also called: Fanconi's anemia. Identifiers: Orphanet 84, MedGen C0015625, MeSH D005199, MONDO:0019391.

gnomAD v4.1: 1 of 1,614,098 alleles (0.000062%); highest among the groups gnomAD compares: Non-Finnish European, 0.000085%; no homozygotes.

Submission:

Labcorp Genetics (formerly Invitae), Labcorp
Classification: Uncertain significance for Fanconi anemia. Last evaluated: 2022-08-10. Review status: criteria provided, single submitter. Criteria: Invitae Variant Classification Sherloc (09022015). Collection method: clinical testing. Allele origin: germline.
Comment: Algorithms developed to predict the effect of missense changes on protein structure and function (SIFT, PolyPhen-2, Align-GVGD) all suggest that this variant is likely to be tolerated. In summary, the available evidence is currently insufficient to determine the role of this variant in disease. Therefore, it has been classified as a Variant of Uncertain Significance. ClinVar contains an entry for this variant (Variation ID: 1471355). This variant has not been reported in the literature in individuals affected with FANCI-related conditions. This variant is not present in population databases (gnomAD no frequency). This sequence change replaces serine, which is neutral and polar, with asparagine, which is neutral and polar, at codon 917 of the FANCI protein (p.Ser917Asn).